The following is an entry in ClinVar:

NM_144585.4(SLC22A12):c.1248A>G (p.Ala416=)

Gene: SLC22A12 (solute carrier family 22 member 12; plus strand). Cytogenetic location: 11q13.1.
Variant type: single nucleotide variant.
Coding change: c.1248A>G on transcript NM_144585.4 (MANE Select); coding-DNA position 1248, A replaced by G.
Protein change: p.Ala416=; no amino-acid change (alanine 416 retained).
Molecular consequence: synonymous variant.
Genome position (GRCh38, 1-based): chr11:64,599,853, A>G. VCF-style: chr11-64599853-A-G. GRCh37 (hg19) VCF-style: chr11-64367325-A-G.
Other names: p.Ala416=; c.1146A>G, p.Ala382= (NM_001276326.2); c.924A>G, p.Ala308= (NM_001276327.2); c.585A>G, p.Ala195= (NM_153378.3).
Identifiers: ClinVar variation 305241 (VCV000305241.24), dbSNP rs1630320, ClinGen allele CA6077355.

ClinVar aggregate classification (germline): Benign. Review status: criteria provided, multiple submitters, no conflicts (2 of 4 stars). 7 submissions from 7 submitters: Benign (7). Last evaluated 2026-02-04.

Conditions:
Dalmatian hypouricemia (RHUC1). Identifiers: MedGen C0473219, MONDO:0020728, OMIM 220150.

Allele frequency attached by ClinVar (database versions not stated): 1000 Genomes Project 30x 0.97611; ESP Exome Variant Server 0.97628; 1000 Genomes Project 0.97684; TOPMed 0.97802; gnomAD 0.97810 and 0.97935.

Submissions (7):

Labcorp Genetics (formerly Invitae), Labcorp
Classification: Benign. Last evaluated: 2026-02-04. Review status: criteria provided, single submitter. Criteria: Invitae Variant Classification Sherloc (09022015). Collection method: clinical testing. Allele origin: germline.

Blueprint Genetics
Classification: Benign. Last evaluated: 2024-11-27. Review status: criteria provided, single submitter. Criteria: ACMG Guidelines, 2015. Collection method: clinical testing. Allele origin: germline.

Mayo Clinic Laboratories, Mayo Clinic
Classification: Benign. Last evaluated: 2022-03-09. Review status: criteria provided, single submitter. Criteria: ACMG Guidelines, 2015. Collection method: clinical testing. Allele origin: germline. Observed: 176 variant alleles.

Genome-Nilou Lab
Classification: Benign for Dalmatian hypouricemia. Last evaluated: 2021-07-15. Review status: criteria provided, single submitter. Criteria: ACMG Guidelines, 2015. Collection method: clinical testing. Allele origin: germline. Affected: no.

GeneDx
Classification: Benign. Last evaluated: 2019-08-20. Review status: criteria provided, single submitter. Criteria: GeneDx Variant Classification Process June 2021. Collection method: clinical testing. Allele origin: germline. Affected: yes.

Laboratory for Molecular Medicine, Mass General Brigham Personalized Medicine
Classification: Benign. Last evaluated: 2016-03-21. Review status: criteria provided, single submitter. Criteria: LMM Criteria. Collection method: clinical testing. Allele origin: germline. Observed: 1 variant allele.
Comment: p.Ala416Ala in exon 7 of SLC22A12: This variant is not expected to have clinical significance because it does not alter an amino acid residue, is not located wi thin the splice consensus sequence, and has been identified in 99.97% (64877/648 94) of European chromosomes by the Exome Aggregation Consortium (ExAC; dbSNP rs1630320).

Breakthrough Genomics
Classification: Benign. Review status: criteria provided, single submitter. Criteria: ACMG Guidelines, 2015. Collection method: not provided. Allele origin: germline. Inheritance: Autosomal recessive inheritance. Affected: yes.